The following is an entry in ClinVar:

NM_001378120.1(MBD5):c.3230A>G (p.Asn1077Ser)

Gene: MBD5 (methyl-CpG binding domain protein 5; plus strand). Cytogenetic location: 2q23.1.
Variant type: single nucleotide variant.
Coding change: c.3230A>G on transcript NM_001378120.1 (MANE Select); coding-DNA position 3230, A replaced by G.
Protein change: p.Asn1077Ser; replaces asparagine 1077 with serine.
Molecular consequence: missense variant. On other transcripts: intron variant (6).
Genome position (GRCh38, 1-based): chr2:148,483,821, A>G. VCF-style: chr2-148483821-A-G. GRCh37 (hg19) VCF-style: chr2-149241390-A-G.
Other names: c.2845+385A>G (NM_001438861.1, NM_018328.5, NM_001438862.1 and 3 more transcripts); c.3230A>G, p.Asn1077Ser (NM_001438854.1, NM_001438856.1, NM_001438857.1 and 1 more transcripts); short protein forms N1077S.
Identifiers: ClinVar variation 4956945 (VCV004956945.2).

ClinVar aggregate classification (germline): Likely benign. Review status: criteria provided, multiple submitters, no conflicts (2 of 4 stars). 2 submissions from 2 submitters: Likely benign (2). Last evaluated 2026-08-01.

gnomAD v4.1: 51 of 1,550,450 alleles (0.0033%); highest among the groups gnomAD compares: East Asian, 0.046%; no homozygotes.

Submissions (2):

CeGaT Center for Human Genetics Tuebingen
Classification: Likely benign. Last evaluated: 2026-08-01. Review status: criteria provided, single submitter. Criteria: CeGaT Center For Human Genetics Tuebingen Variant Classification Criteria Version 2. Collection method: clinical testing. Allele origin: germline. Affected: yes. Observed: 1 variant allele.
Comment: MBD5: BP4

Blueprint Genetics
Classification: Likely benign. Last evaluated: 2022-09-14. Review status: criteria provided, single submitter. Criteria: ACMG Guidelines, 2015. Collection method: clinical testing. Allele origin: germline.